The following is an entry in ClinVar:

NM_001077365.2(POMT1):c.630G>A (p.Thr210=)

Gene: POMT1 (protein O-mannosyltransferase 1; plus strand). Cytogenetic location: 9q34.13.
Variant type: single nucleotide variant.
Coding change: c.630G>A on transcript NM_001077365.2 (MANE Select); coding-DNA position 630, G replaced by A.
Protein change: p.Thr210=; no amino-acid change (threonine 210 retained).
Molecular consequence: synonymous variant. On other transcripts: non-coding transcript variant (10).
Genome position (GRCh38, 1-based): chr9:131,509,927, G>A. VCF-style: chr9-131509927-G-A. GRCh37 (hg19) VCF-style: chr9-134385314-G-A.
Other names: c.468G>A, p.Thr156= (NM_001077366.2, NM_001353194.2, NM_001353197.2 and 3 more transcripts); c.630G>A, p.Thr210= (NM_001136113.2, NM_001353193.2, NM_001374690.1 and 1 more transcripts); c.279G>A, p.Thr93= (NM_001136114.2, NM_001353195.2, NM_001353199.2 and 2 more transcripts); c.540G>A, p.Thr180= (NM_001353196.2); c.174G>A, p.Thr58= (NM_001353200.2, NM_001374695.1).
Identifiers: ClinVar variation 387410 (VCV000387410.11), dbSNP rs553160213, ClinGen allele CA5293359.
Genomic context (GRCh38, chr9:131,509,927, plus strand): 5'-TCTCATGTTAACTCCATTTCTGTCATGTCTTTGCAGCATCAAGTACATGGGTGTGTTCAC[G>A]TACGTGCTCGTGCTGGGTGTTGCAGCTGTCCATGCCTGGCACCTGCTTGGAGACCAGACT-3'
Protein context (NP_001070833.1, residues 200-220): AVGIKYMGVF[Thr210=]YVLVLGVAAV

ClinVar aggregate classification (germline): Likely benign. Review status: criteria provided, multiple submitters, no conflicts (2 of 4 stars). 3 submissions from 3 submitters: Likely benign (3). Last evaluated 2026-01-19.

Conditions:
Autosomal recessive limb-girdle muscular dystrophy type 2K. Also called: MUSCULAR DYSTROPHY, LIMB-GIRDLE, TYPE 2K; MUSCULAR DYSTROPHY-DYSTROGLYCANOPATHY (LIMB-GIRDLE), TYPE C, 1. Identifiers: Orphanet 86812, MedGen C1836373, MONDO:0012248, OMIM 609308.
Walker-Warburg congenital muscular dystrophy. Also called: Muscular dystrophy-dystroglycanopathy, type A; Walker-Warburg syndrome. Identifiers: Orphanet 899, MedGen C0265221, MONDO:0000171.
Muscular dystrophy-dystroglycanopathy (congenital with impaired intellectual development), type B, 1. Also called: Muscular dystrophy-dystroglycanopathy (congenital with intellectual disability), type B1; MUSCULAR DYSTROPHY, CONGENITAL, POMT1-RELATED. Identifiers: MedGen C5436962, MONDO:0013159, OMIM 613155.

Allele frequency attached by ClinVar (database versions not stated): gnomAD 0.00005 and 0.00003; ExAC 0.00006; 1000 Genomes Project 30x 0.00016; 1000 Genomes Project 0.00020; gnomAD exomes 0.00003 and 0.00008; TOPMed 0.00006.
gnomAD v4.1: 49 of 1,614,186 alleles (0.003%); highest among the groups gnomAD compares: Admixed American, 0.04%; no homozygotes.

Submissions (3):

Labcorp Genetics (formerly Invitae), Labcorp
Classification: Likely benign for Muscular dystrophy-dystroglycanopathy (congenital with impaired intellectual development), type B, 1; Walker-Warburg congenital muscular dystrophy; Autosomal recessive limb-girdle muscular dystrophy type 2K. Last evaluated: 2026-01-19. Review status: criteria provided, single submitter. Criteria: Invitae Variant Classification Sherloc (09022015). Collection method: clinical testing. Allele origin: germline.

Blueprint Genetics
Classification: Likely benign. Last evaluated: 2022-06-14. Review status: criteria provided, single submitter. Criteria: ACMG Guidelines, 2015. Collection method: clinical testing. Allele origin: germline.

GeneDx
Classification: Likely benign. Last evaluated: 2017-11-30. Review status: criteria provided, single submitter. Criteria: GeneDx Variant Classification (06012015). Collection method: clinical testing. Allele origin: germline. Affected: yes.
Comment: This variant is considered likely benign or benign based on one or more of the following criteria: it is a conservative change, it occurs at a poorly conserved position in the protein, it is predicted to be benign by multiple in silico algorithms, and/or has population frequency not consistent with disease.